The following is an entry in ClinVar:

ClinVar aggregate classification (germline): Uncertain significance (1 of 4 stars; one submission).

Conditions:
Hereditary cancer-predisposing syndrome. Also called: Neoplastic Syndromes, Hereditary; Tumor predisposition; Hereditary Cancer Syndrome; Hereditary neoplastic syndrome. Identifiers: Orphanet 140162, MedGen C0027672, MeSH D009386, MONDO:0015356.

Submission:

Ambry Genetics
Classification: Uncertain significance for Hereditary cancer-predisposing syndrome. Last evaluated: 2025-09-07. Review status: criteria provided, single submitter. Criteria: Ambry Variant Classification Scheme 2023. Collection method: clinical testing. Allele origin: germline.
Comment: The p.G117R variant (also known as c.349G>C), located in coding exon 2 of the TMEM127 gene, results from a G to C substitution at nucleotide position 349. The glycine at codon 117 is replaced by arginine, an amino acid with dissimilar properties. This amino acid position is conserved. In addition, this alteration is predicted to be deleterious by in silico analysis. Based on the available evidence, the clinical significance of this variant remains unclear.

NM_017849.4(TMEM127):c.349G>C (p.Gly117Arg)

Gene: TMEM127 (transmembrane protein 127; minus strand). Cytogenetic location: 2q11.2.
Variant type: single nucleotide variant.
Coding change: c.349G>C on transcript NM_017849.4 (MANE Select); coding-DNA position 349, G replaced by C.
Protein change: p.Gly117Arg; replaces glycine 117 with arginine.
Molecular consequence: missense variant.
Genome position (GRCh38, 1-based): chr2:96,254,893, C>G on the plus strand (G>C on the coding strand, the complement: TMEM127 is on the minus strand). VCF-style: chr2-96254893-C-G. GRCh37 (hg19) VCF-style: chr2-96920631-C-G.
Other names: c.349G>C, p.Gly117Arg (NM_001193304.3); c.97G>C, p.Gly33Arg (NM_001407282.1, NM_001407283.1); short protein forms G117R, G33R.
Identifiers: ClinVar variation 4185922 (VCV004185922.1).